The following is an entry in ClinVar:

NC_000014.8:g.(?_75483785)_(75516358_?)dup

Gene: MLH3 (mutL homolog 3; minus strand). Cytogenetic location: 14q24.3.
Variant type: Duplication.
Identifiers: ClinVar variation 3244054 (VCV003244054.1).

ClinVar aggregate classification (germline): Uncertain significance (1 of 4 stars; one submission).

Conditions:
Colorectal cancer, hereditary nonpolyposis, type 7. Identifiers: Orphanet 144, MedGen C1858380, MONDO:0013725, OMIM 614385.

Submission:

Labcorp Genetics (formerly Invitae), Labcorp
Classification: Uncertain significance for Colorectal cancer, hereditary nonpolyposis, type 7. Last evaluated: 2023-04-28. Review status: criteria provided, single submitter. Criteria: Invitae Variant Classification Sherloc (09022015). Collection method: clinical testing. Allele origin: unknown.
Comment: In summary, the available evidence is currently insufficient to determine the role of this variant in disease. Therefore, it has been classified as a Variant of Uncertain Significance. This variant has not been reported in the literature in individuals affected with MLH3-related conditions. A copy number gain of the genomic region encompassing the full coding sequence of the MLH3 gene has been identified. The boundaries of this event are unknown as they extend beyond the assayed region for this gene and therefore may encompass additional genes. As the precise location of this event is unknown, it may be in tandem or it may be located elsewhere in the genome.